The following is an entry in ClinVar:

ClinVar aggregate classification (germline): Uncertain significance (1 of 4 stars; one submission).

gnomAD v4.1: 2 of 1,491,822 alleles (0.00013%); highest among the groups gnomAD compares: Non-Finnish European, 0.00018%; no homozygotes.

Submission:

GeneDx
Classification: Uncertain significance. Last evaluated: 2024-02-01. Review status: criteria provided, single submitter. Criteria: GeneDx Variant Classification Process June 2021. Collection method: clinical testing. Allele origin: germline. Affected: yes.
Comment: Not observed at significant frequency in large population cohorts (gnomAD); In silico analysis supports that this missense variant has a deleterious effect on protein structure/function; Has not been previously published as pathogenic or benign to our knowledge

NM_001374353.1(GLI2):c.2891T>C (p.Leu964Pro)

Gene: GLI2 (GLI family zinc finger 2; plus strand). Cytogenetic location: 2q14.2.
Variant type: single nucleotide variant.
Coding change: c.2891T>C on transcript NM_001374353.1 (MANE Select); coding-DNA position 2891, T replaced by C.
Protein change: p.Leu964Pro; replaces leucine 964 with proline.
Molecular consequence: missense variant.
Genome position (GRCh38, 1-based): chr2:120,988,856, T>C. VCF-style: chr2-120988856-T-C. GRCh37 (hg19) VCF-style: chr2-121746432-T-C.
Other names: c.2942T>C, p.Leu981Pro (NM_001371271.1, NM_005270.5); c.2516T>C, p.Leu839Pro (NM_001374354.1); short protein forms L839P, L964P, L981P.
Identifiers: ClinVar variation 3368584 (VCV003368584.1).